The following is an entry in ClinVar:

NM_139318.5(KCNH5):c.455del (p.Arg151_Leu152insTer)

Gene: KCNH5 (potassium voltage-gated channel subfamily H member 5; minus strand). Cytogenetic location: 14q23.2.
Variant type: Deletion.
Coding change: c.455del on transcript NM_139318.5 (MANE Select); coding-DNA position 455, one base deleted (T; older notation c.455delT).
Protein change: p.Arg151_Leu152insTer.
Molecular consequence: nonsense.
Genome position (GRCh38, 1-based): chr14:62,987,166, A deleted on the plus strand (T on the coding strand, the reverse complement: KCNH5 is on the minus strand); the first of 2 consecutive A bases (chr14:62,987,166-62,987,167); deleting either gives the same sequence. VCF-style (leftmost placement, unchanged base first): chr14-62987165-CA-C. GRCh37 (hg19) VCF-style: chr14-63453883-CA-C.
Other names: c.455del, p.Arg151_Leu152insTer (NM_172375.3).
Identifiers: ClinVar variation 4755647 (VCV004755647.1).

ClinVar aggregate classification (germline): Uncertain significance (1 of 4 stars; one submission).

Submission:

GeneDx
Classification: Uncertain significance. Last evaluated: 2025-08-06. Review status: criteria provided, single submitter. Criteria: GeneDx Variant Classification Process June 2021. Collection method: clinical testing. Allele origin: germline. Affected: yes.
Comment: Not observed at significant frequency in large population cohorts (gnomAD); Nonsense variant predicted to result in protein truncation or nonsense mediated decay in a gene or region of a gene for which loss of function is not a well-established mechanism of disease; Has not been previously published as pathogenic or benign to our knowledge